The following is an entry in ClinVar:

NM_003923.3(FOXH1):c.572C>T (p.Pro191Leu)

Gene: FOXH1 (forkhead box H1; minus strand). Cytogenetic location: 8q24.3.
Variant type: single nucleotide variant.
Coding change: c.572C>T on transcript NM_003923.3 (MANE Select); coding-DNA position 572, C replaced by T.
Protein change: p.Pro191Leu; replaces proline 191 with leucine.
Molecular consequence: missense variant.
Genome position (GRCh38, 1-based): chr8:144,474,764, G>A on the plus strand (C>T on the coding strand, the complement: FOXH1 is on the minus strand). VCF-style: chr8-144474764-G-A. GRCh37 (hg19) VCF-style: chr8-145700147-G-A.
Other names: short protein forms P191L.
Identifiers: ClinVar variation 861858 (VCV000861858.5), dbSNP rs1270394786, ClinGen allele CA372724379.

ClinVar aggregate classification (germline): Uncertain significance. Review status: criteria provided, multiple submitters, no conflicts (2 of 4 stars). 3 submissions from 3 submitters: Uncertain significance (3). Last evaluated 2025-02-14.

Conditions:
Inborn genetic diseases. Identifiers: MedGen C0950123, MeSH D030342.
Holoprosencephaly sequence (HPE). Also called: Holoprosencephaly. Identifiers: Orphanet 2162, MedGen C0079541, MONDO:0016296, HP:0001360.

Allele frequency attached by ClinVar (database versions not stated): gnomAD 0.00001; TOPMed 0.00002; gnomAD exomes 0.00003.
gnomAD v4.1: 7 of 1,589,132 alleles (0.00044%); highest among the groups gnomAD compares: Admixed American, 0.012%; no homozygotes.

Submissions (3):

Ambry Genetics
Classification: Uncertain significance for Inborn genetic diseases. Last evaluated: 2025-02-14. Review status: criteria provided, single submitter. Criteria: Ambry Variant Classification Scheme 2023. Collection method: clinical testing. Allele origin: germline.

GeneDx
Classification: Uncertain significance. Last evaluated: 2021-01-14. Review status: criteria provided, single submitter. Criteria: GeneDx Variant Classification Process June 2021. Collection method: clinical testing. Allele origin: germline. Affected: yes.
Comment: In silico analysis supports that this missense variant does not alter protein structure/function; Has not been previously published as pathogenic or benign to our knowledge

Labcorp Genetics (formerly Invitae), Labcorp
Classification: Uncertain significance for Holoprosencephaly sequence. Last evaluated: 2019-03-04. Review status: criteria provided, single submitter. Criteria: Invitae Variant Classification Sherloc (09022015). Collection method: clinical testing. Allele origin: germline.
Comment: This sequence change replaces proline with leucine at codon 191 of the FOXH1 protein (p.Pro191Leu). The proline residue is moderately conserved and there is a moderate physicochemical difference between proline and leucine. This variant is not present in population databases (ExAC no frequency). This variant has not been reported in the literature in individuals with FOXH1-related conditions. Algorithms developed to predict the effect of missense changes on protein structure and function output the following: SIFT: Tolerated; PolyPhen-2: Benign; Align-GVGD: Class C0. The leucine amino acid residue is found in multiple mammalian species, suggesting that this missense change does not adversely affect protein function. These predictions have not been confirmed by published functional studies and their clinical significance is uncertain. In summary, the available evidence is currently insufficient to determine the role of this variant in disease. Therefore, it has been classified as a Variant of Uncertain Significance.